The following is an entry in ClinVar:

ClinVar aggregate classification (germline): Uncertain significance (1 of 4 stars; one submission).

Submission:

GeneDx
Classification: Uncertain significance. Last evaluated: 2025-07-10. Review status: criteria provided, single submitter. Criteria: GeneDx Variant Classification Process June 2021. Collection method: clinical testing. Allele origin: germline.
Comment: Not observed at significant frequency in large population cohorts (gnomAD); In silico analysis supports that this missense variant has a deleterious effect on protein structure/function; Has not been previously published as pathogenic or benign to our knowledge

NM_001366145.2(TRPM3):c.1681C>G (p.Pro561Ala)

Gene: TRPM3 (transient receptor potential cation channel subfamily M member 3; minus strand). Cytogenetic location: 9q21.12.
Variant type: single nucleotide variant.
Coding change: c.1681C>G on transcript NM_001366145.2 (MANE Select); coding-DNA position 1681, C replaced by G.
Protein change: p.Pro561Ala; replaces proline 561 with alanine.
Molecular consequence: missense variant.
Genome position (GRCh38, 1-based): chr9:70,625,319, G>C on the plus strand (C>G on the coding strand, the complement: TRPM3 is on the minus strand). VCF-style: chr9-70625319-G-C. GRCh37 (hg19) VCF-style: chr9-73240235-G-C.
Other names: c.1645C>G, p.Pro549Ala (NM_001007471.4, NM_001366150.2, NM_001366151.2); c.1651C>G, p.Pro551Ala (NM_001366141.2, NM_001366143.2); c.1687C>G, p.Pro563Ala (NM_001366142.2); c.1681C>G, p.Pro561Ala (NM_001366146.2, NM_001366149.2); c.1756C>G, p.Pro586Ala (NM_001366147.2, NM_001366148.2, NM_001366152.2); c.1222C>G, p.Pro408Ala (NM_001366154.2, NM_024971.7, NM_206945.5); c.1186C>G, p.Pro396Ala (NM_020952.6, NM_206944.5); c.1261C>G, p.Pro421Ala (NM_206946.5, NM_206947.5); short protein forms P396A, P408A, P421A, P549A, P551A, P561A, P563A, P586A.
Identifiers: ClinVar variation 3774018 (VCV003774018.2).